The following is an entry in ClinVar:

ClinVar aggregate classification (germline): Uncertain significance (1 of 4 stars; one submission).

Allele frequency attached by ClinVar (database versions not stated): gnomAD exomes below 0.00001.
gnomAD v4.1: 2 of 1,613,988 alleles (0.00012%); highest among the groups gnomAD compares: Admixed American, 0.0033%; no homozygotes.

Submission:

Labcorp Genetics (formerly Invitae), Labcorp
Classification: Uncertain significance. Last evaluated: 2025-04-14. Review status: criteria provided, single submitter. Criteria: Invitae Variant Classification Sherloc (09022015). Collection method: clinical testing. Allele origin: germline.
Comment: This sequence change replaces leucine, which is neutral and non-polar, with proline, which is neutral and non-polar, at codon 680 of the ATRN protein (p.Leu680Pro). This variant is present in population databases (no rsID available, gnomAD 0.003%). This variant has not been reported in the literature in individuals affected with ATRN-related conditions. ClinVar contains an entry for this variant (Variation ID: 1962516). An algorithm developed to predict the effect of missense changes on protein structure and function (PolyPhen-2) suggests that this variant is likely to be tolerated. In summary, the available evidence is currently insufficient to determine the role of this variant in disease. Therefore, it has been classified as a Variant of Uncertain Significance.

NM_139321.3(ATRN):c.2039T>C (p.Leu680Pro)

Gene: ATRN (attractin; plus strand). Cytogenetic location: 20p13.
Variant type: single nucleotide variant.
Coding change: c.2039T>C on transcript NM_139321.3 (MANE Select); coding-DNA position 2039, T replaced by C.
Protein change: p.Leu680Pro; replaces leucine 680 with proline.
Molecular consequence: missense variant.
Genome position (GRCh38, 1-based): chr20:3,572,898, T>C. VCF-style: chr20-3572898-T-C. GRCh37 (hg19) VCF-style: chr20-3553545-T-C.
Other names: c.1691T>C, p.Leu564Pro (NM_001207047.3); c.2039T>C, p.Leu680Pro (NM_001323332.2, NM_139322.4); short protein forms L564P, L680P.
Identifiers: ClinVar variation 1962516 (VCV001962516.5), dbSNP rs1230804210, ClinGen allele CA408093122.
Genomic context (GRCh38, chr20:3,572,898, plus strand): 5'-CAGGACCTGGTATTCGGTGTGTGTGGAACACAGGGTCGTCTCAGTGTATCTCGTGGGCGC[T>C]GGCAACTGATGAACAAGAAGAAAAGTTAAAATCAGAATGTTTTTCCAAAAGAAGTATGTT-3'
Protein context (NP_647537.1, residues 670-690): TGSSQCISWA[Leu680Pro]ATDEQEEKLK